The following is an entry in ClinVar:

ClinVar aggregate classification (germline): Pathogenic (1 of 4 stars; one submission).

Conditions:
Hereditary spastic paraplegia 47. Also called: CEREBRAL PALSY, SPASTIC QUADRIPLEGIC, 5; adaptor protein 4 (AP-4) deficiency syndrome; Spastic paraplegia 47, autosomal recessive. Identifiers: Orphanet 280763, MedGen C3279738, MONDO:0013551, OMIM 614066.

Submission:

Gansu Provincial Maternity and Child Care Hospital
Classification: Pathogenic for Hereditary spastic paraplegia 47. Last evaluated: 2026-06-02. Review status: criteria provided, single submitter. Criteria: ACMG Guidelines, 2015. Collection method: clinical testing. Allele origin: paternal. Inheritance: Autosomal recessive inheritance. Affected: yes.
Comment: The c.1399G>T variant is a nonsense variant that leads to premature termination of translation (PVS1). This site is not recorded in the gnomAD database (PM2_supporting).For recessive disorders, detected in trans with a pathogenic variant(PM3_Surporting).This variant is classified as pathogenic.

NM_001253852.3(AP4B1):c.1399G>T (p.Glu467Ter)

Genes: AP4B1 (adaptor related protein complex 4 subunit beta 1; minus strand), AP4B1-AS1 (AP4B1 antisense RNA 1; plus strand). Cytogenetic location: 1p13.2.
Variant type: single nucleotide variant.
Coding change: c.1399G>T on transcript NM_001253852.3 (MANE Select); coding-DNA position 1399, G replaced by T.
Protein change: p.Glu467Ter; replaces glutamic acid 467 with a stop codon.
Molecular consequence: nonsense. On other transcripts: intron variant (4).
Genome position (GRCh38, 1-based): chr1:113,896,369, C>A on the plus strand (G>T on the coding strand, the complement: AP4B1 is on the minus strand). VCF-style: chr1-113896369-C-A. GRCh37 (hg19) VCF-style: chr1-114438991-C-A.
Other names: c.1102G>T, p.Glu368Ter (NM_001253853.3); c.895G>T, p.Glu299Ter (NM_001308312.2, NM_001438376.1); c.1174G>T, p.Glu392Ter (NM_001437822.1); c.1399G>T, p.Glu467Ter (NM_001438373.1, NM_006594.5); c.1120G>T, p.Glu374Ter (NM_001438374.1); c.974-331G>T (NM_001438377.1); c.920-331G>T (NM_001438378.1); c.1199-331G>T (NM_001438375.1); and 1 more; short protein forms E299*, E368*, E374*, E392*, E467*.
Identifiers: ClinVar variation 4856404 (VCV004856404.1).